The following is an entry in ClinVar:

NM_001035.3(RYR2):c.3745A>G (p.Met1249Val)

Gene: RYR2 (ryanodine receptor 2; plus strand). Cytogenetic location: 1q43.
Variant type: single nucleotide variant.
Coding change: c.3745A>G on transcript NM_001035.3 (MANE Select); coding-DNA position 3745, A replaced by G.
Protein change: p.Met1249Val; replaces methionine 1249 with valine.
Molecular consequence: missense variant.
Genome position (GRCh38, 1-based): chr1:237,589,939, A>G. VCF-style: chr1-237589939-A-G. GRCh37 (hg19) VCF-style: chr1-237753239-A-G.
Other names: short protein forms M1249V.
Identifiers: ClinVar variation 3074038 (VCV003074038.2), dbSNP rs2546607358, ClinGen allele CA345396450.

ClinVar aggregate classification (germline): Uncertain significance. Review status: criteria provided, multiple submitters, no conflicts (2 of 4 stars). 2 submissions from 2 submitters: Uncertain significance (2). Last evaluated 2025-06-08.

Conditions:
Catecholaminergic polymorphic ventricular tachycardia (CVPT). Also called: Catecholamine-induced polymorphic ventricular tachycardia. Identifiers: Orphanet 3286, MedGen C5574922, MONDO:0017990.
Catecholaminergic polymorphic ventricular tachycardia 1. Also called: VENTRICULAR TACHYCARDIA, CATECHOLAMINERGIC POLYMORPHIC, 1, WITH OR WITHOUT ATRIAL DYSFUNCTION AND/OR DILATED CARDIOMYOPATHY; RYR2-Related Catecholaminergic Polymorphic Ventricular Tachycardia; VENTRICULAR TACHYCARDIA, STRESS-INDUCED POLYMORPHIC 1. Identifiers: Orphanet 3286, MedGen C1631597, MONDO:0011484, OMIM 604772.

Allele frequency attached by ClinVar (database versions not stated): gnomAD exomes below 0.00001.

Submissions (2):

Labcorp Genetics (formerly Invitae), Labcorp
Classification: Uncertain significance for Catecholaminergic polymorphic ventricular tachycardia 1. Last evaluated: 2025-06-08. Review status: criteria provided, single submitter. Criteria: Invitae Variant Classification Sherloc (09022015). Collection method: clinical testing. Allele origin: germline.
Comment: This sequence change replaces methionine, which is neutral and non-polar, with valine, which is neutral and non-polar, at codon 1249 of the RYR2 protein (p.Met1249Val). This variant is not present in population databases (gnomAD no frequency). This variant has not been reported in the literature in individuals affected with RYR2-related conditions. ClinVar contains an entry for this variant (Variation ID: 3074038). Invitae Evidence Modeling of protein sequence and biophysical properties (such as structural, functional, and spatial information, amino acid conservation, physicochemical variation, residue mobility, and thermodynamic stability) indicates that this missense variant is not expected to disrupt RYR2 protein function with a negative predictive value of 95%. In summary, the available evidence is currently insufficient to determine the role of this variant in disease. Therefore, it has been classified as a Variant of Uncertain Significance.

All of Us Research Program, National Institutes of Health
Classification: Uncertain significance for Catecholaminergic polymorphic ventricular tachycardia. Last evaluated: 2023-12-01. Review status: criteria provided, single submitter. Criteria: ACMG Guidelines, 2015. Collection method: clinical testing. Allele origin: germline. Inheritance: Autosomal dominant inheritance. Observed: 1 variant allele, 1 heterozygote.
Comment: This study involves interpretation of variants in research participants for the purpose of population health screening. Participant phenotype was not available at the time of variant classification. Additional details can be found in publication PMID: 35346344, PMCID: PMC8962531